The following is an entry in ClinVar:

ClinVar aggregate classification (germline): Uncertain significance (1 of 4 stars; one submission).

Conditions:
Nemaline myopathy 2 (NEM2). Also called: Nemaline myopathy 2, autosomal recessive. Identifiers: MedGen C1850569, MONDO:0009725, OMIM 256030.

Submission:

Labcorp Genetics (formerly Invitae), Labcorp
Classification: Uncertain significance for Nemaline myopathy 2. Last evaluated: 2021-08-05. Review status: criteria provided, single submitter. Criteria: Invitae Variant Classification Sherloc (09022015). Collection method: clinical testing. Allele origin: germline.
Comment: This sequence change replaces leucine with methionine at codon 7311 of the NEB protein (p.Leu7311Met). The leucine residue is moderately conserved and there is a small physicochemical difference between leucine and methionine. This variant is not present in population databases (ExAC no frequency). This variant has not been reported in the literature in individuals affected with NEB-related conditions. Algorithms developed to predict the effect of missense changes on protein structure and function are either unavailable or do not agree on the potential impact of this missense change (SIFT: "Deleterious"; PolyPhen-2: "Not Available"; Align-GVGD: "Class C0"). In summary, the available evidence is currently insufficient to determine the role of this variant in disease. Therefore, it has been classified as a Variant of Uncertain Significance.

NM_001164508.2(NEB):c.21826C>A (p.Leu7276Met)

Genes: NEB (nebulin; minus strand), RIF1 (replication timing regulatory factor 1; plus strand). Cytogenetic location: 2q23.3.
Variant type: single nucleotide variant.
Coding change: c.21826C>A on transcript NM_001164508.2 (MANE Select); coding-DNA position 21826, C replaced by A.
Protein change: p.Leu7276Met; replaces leucine 7276 with methionine.
Molecular consequence: missense variant.
Genome position (GRCh38, 1-based): chr2:151,527,495, G>T on the plus strand (C>A on the coding strand, the complement: NEB is on the minus strand). VCF-style: chr2-151527495-G-T. GRCh37 (hg19) VCF-style: chr2-152384009-G-T.
Other names: c.21826C>A, p.Leu7276Met (NM_001164507.2); c.21931C>A, p.Leu7311Met (NM_001271208.2); c.16723C>A, p.Leu5575Met (NM_004543.5); short protein forms L7276M, L5575M, L7311M.
Identifiers: ClinVar variation 1960900 (VCV001960900.2), dbSNP rs2153462695, ClinGen allele CA348768723.
Genomic context (GRCh38, chr2:151,527,495, plus strand): 5'-CAGGTGCAGTATGCAGTTACAATCGTCTGTGTCTCTCCTGTCTTACATCGCTTTGCTGCA[G>T]GGATGACTTGGCAGCCTGGAGGAAGTCCGGTCGGTCAGGAGTCCACTTCCAGTGGGCTTT-3'
Protein context (NP_001157980.2, residues 7266-7286): PDFLQAAKSS[Leu7276Met]QQSDFEYKLD